The following is an entry in ClinVar:

ClinVar aggregate classification (germline): Likely benign. Review status: criteria provided, multiple submitters, no conflicts (2 of 4 stars). 5 submissions from 5 submitters: Likely benign (5). Last evaluated 2025-12-23.

Conditions:
Inborn genetic diseases. Identifiers: MedGen C0950123, MeSH D030342.
KIF1A-related disorder. Also called: KIF1A-related disorders; KIF1A-related condition.
Neuropathy, hereditary sensory, type 2C. Also called: Hereditary sensory and autonomic neuropathy type IIC; KIF1A-Related HSAN2 (HSAN2C). Identifiers: Orphanet 970, MedGen C3280168, MONDO:0013634, OMIM 614213.
Intellectual disability, autosomal dominant 9 (NESCAVS). Also called: NESCAV SYNDROME; KIF1A-Related Neurodevelopmental Disorder. Identifiers: Orphanet 662367, MedGen C5393830, MONDO:0013656, OMIM 614255.
Hereditary spastic paraplegia 30. Identifiers: Orphanet 101010, MedGen C5235139, MONDO:0012476.

Allele frequency attached by ClinVar (database versions not stated): TOPMed 0.00004; gnomAD exomes 0.00006 and 0.00008; gnomAD 0.00007; ExAC 0.00020.
gnomAD v4.1: 132 of 1,564,202 alleles (0.0084%); highest among the groups gnomAD compares: South Asian, 0.015%; no homozygotes.

Submissions (5):

PreventionGenetics, part of Exact Sciences
Classification: Likely benign for KIF1A-related condition. Last evaluated: 2025-12-23. Review status: criteria provided, single submitter. Criteria: ACMG Guidelines, 2015. Collection method: clinical testing. Allele origin: germline.
Comment: This variant is classified as likely benign based on ACMG/AMP sequence variant interpretation guidelines (Richards et al. 2015 PMID: 25741868, with internal and published modifications).

Labcorp Genetics (formerly Invitae), Labcorp
Classification: Likely benign for Hereditary spastic paraplegia 30; Neuropathy, hereditary sensory, type 2C; Intellectual disability, autosomal dominant 9. Last evaluated: 2025-12-03. Review status: criteria provided, single submitter. Criteria: Invitae Variant Classification Sherloc (09022015). Collection method: clinical testing. Allele origin: germline.

CeGaT Center for Human Genetics Tuebingen
Classification: Likely benign. Last evaluated: 2025-07-01. Review status: criteria provided, single submitter. Criteria: CeGaT Center For Human Genetics Tuebingen Variant Classification Criteria Version 2. Collection method: clinical testing. Allele origin: germline. Affected: yes. Observed: 2 variant alleles.
Comment: KIF1A: BP4, BP7

Ambry Genetics
Classification: Likely benign for Inborn genetic diseases. Last evaluated: 2020-03-19. Review status: criteria provided, single submitter. Criteria: Ambry Variant Classification Scheme 2023. Collection method: clinical testing. Allele origin: germline.

GeneDx
Classification: Likely benign. Last evaluated: 2020-02-24. Review status: criteria provided, single submitter. Criteria: GeneDx Variant Classification Process June 2021. Collection method: clinical testing. Allele origin: germline. Affected: yes.

NM_001244008.2(KIF1A):c.4512C>T (p.Thr1504=)

Gene: KIF1A (kinesin family member 1A; minus strand). Cytogenetic location: 2q37.3.
Variant type: single nucleotide variant.
Coding change: c.4512C>T on transcript NM_001244008.2 (MANE Select); coding-DNA position 4512, C replaced by T.
Protein change: p.Thr1504=; no amino-acid change (threonine 1504 retained).
Molecular consequence: synonymous variant.
Genome position (GRCh38, 1-based): chr2:240,722,609, G>A on the plus strand (C>T on the coding strand, the complement: KIF1A is on the minus strand). VCF-style: chr2-240722609-G-A. GRCh37 (hg19) VCF-style: chr2-241662026-G-A.
Other names: c.4209C>T, p.Thr1403= (NM_001379641.1, NM_001379650.1, NM_001379651.1 and 2 more transcripts); c.4512C>T, p.Thr1504= (NM_001379642.1); c.4485C>T, p.Thr1495= (NM_001379645.1, NM_001379633.1); c.4335C>T, p.Thr1445= (NM_001379646.1, NM_001379635.1); c.4311C>T, p.Thr1437= (NM_001379648.1, NM_001330290.2); c.4236C>T, p.Thr1412= (NM_001379649.1, NM_001320705.2); c.4512C>T (NM_001244008.1); c.4263C>T, p.Thr1421= (NM_001330289.2); and 8 more.
Identifiers: ClinVar variation 382368 (VCV000382368.47), dbSNP rs377180036, ClinGen allele CA2207397.